The following is an entry in ClinVar:

ClinVar aggregate classification (germline): Uncertain significance (1 of 4 stars; one submission).

Conditions:
Hereditary sensory and autonomic neuropathy type 6. Also called: Neuropathy, hereditary sensory and autonomic, type VI; HSAN VI. Identifiers: Orphanet 314381, MedGen C3539003, MONDO:0013839, OMIM 614653.
Epidermolysis bullosa simplex 3, localized or generalized intermediate, with BP230 deficiency (EBS3). Also called: Epidermolysis bullosa simplex due to BP230 deficiency; Epidermolysis bullosa simplex, autosomal recessive 2. Identifiers: Orphanet 412181, MedGen C3809470, MONDO:0014180, OMIM 615425.

Allele frequency attached by ClinVar (database versions not stated): gnomAD exomes below 0.00001; TOPMed 0.00001.
gnomAD v4.1: 1 of 1,614,082 alleles (0.000062%); highest among the groups gnomAD compares: Non-Finnish European, 0.000085%; no homozygotes.

Submission:

Labcorp Genetics (formerly Invitae), Labcorp
Classification: Uncertain significance for Epidermolysis bullosa simplex 3, localized or generalized intermediate, with BP230 deficiency; Hereditary sensory and autonomic neuropathy type 6. Last evaluated: 2019-09-07. Review status: criteria provided, single submitter. Criteria: Invitae Variant Classification Sherloc (09022015). Collection method: clinical testing. Allele origin: germline.
Comment: This sequence change replaces serine with asparagine at codon 7 of the DST protein (p.Ser7Asn). The serine residue is weakly conserved and there is a small physicochemical difference between serine and asparagine. This variant is not present in population databases (ExAC no frequency). This variant has not been reported in the literature in individuals with DST-related conditions. Algorithms developed to predict the effect of missense changes on protein structure and function (SIFT, PolyPhen-2, Align-GVGD) all suggest that this variant is likely to be tolerated, but these predictions have not been confirmed by published functional studies and their clinical significance is uncertain. In summary, the available evidence is currently insufficient to determine the role of this variant in disease. Therefore, it has been classified as a Variant of Uncertain Significance.

NM_001723.7(DST):c.20G>A (p.Ser7Asn)

Gene: DST (dystonin; minus strand). Cytogenetic location: 6p12.1.
Variant type: single nucleotide variant.
Coding change: c.20G>A on transcript NM_001723.7 (MANE Plus Clinical); coding-DNA position 20, G replaced by A.
Protein change: p.Ser7Asn; replaces serine 7 with asparagine.
Molecular consequence: missense variant. On other transcripts: intron variant (9).
Genome position (GRCh38, 1-based): chr6:56,642,769, C>T on the plus strand (G>A on the coding strand, the complement: DST is on the minus strand). VCF-style: chr6-56642769-C-T. GRCh37 (hg19) VCF-style: chr6-56507567-C-T.
Other names: c.20G>A, p.Ser7Asn (NM_015548.5); c.1680-266G>A (NM_001144769.5); c.1779-266G>A (NM_001374722.1, NM_001374736.1); c.1806-266G>A (NM_001374734.1); c.1266-266G>A (NM_001144770.2); c.1146-266G>A (NM_001374730.1, NM_001386100.1, NM_183380.4 and 1 more transcripts); short protein forms S7N.
Identifiers: ClinVar variation 957187 (VCV000957187.10), dbSNP rs1160249927, ClinGen allele CA364615720.